The following is an entry in ClinVar:

ClinVar aggregate classification (germline): Uncertain significance (1 of 4 stars; one submission).

Conditions:
Mosaic variegated aneuploidy syndrome 1 (MVA1). Also called: Warburton-Anyane-Yeboa syndrome. Identifiers: Orphanet 1052, MedGen C1850343, MONDO:0009759, OMIM 257300.

Submission:

Labcorp Genetics (formerly Invitae), Labcorp
Classification: Uncertain significance for Mosaic variegated aneuploidy syndrome 1. Last evaluated: 2021-04-23. Review status: criteria provided, single submitter. Criteria: Invitae Variant Classification Sherloc (09022015). Collection method: clinical testing. Allele origin: germline.
Comment: In summary, the available evidence is currently insufficient to determine the role of this variant in disease. Therefore, it has been classified as a Variant of Uncertain Significance. Nucleotide substitutions within the consensus splice site are a relatively common cause of aberrant splicing (PMID: 17576681, 9536098). Algorithms developed to predict the effect of sequence changes on RNA splicing suggest that this variant is not likely to affect RNA splicing, but this prediction has not been confirmed by published transcriptional studies. This variant has not been reported in the literature in individuals with BUB1B-related conditions. This variant is not present in population databases (ExAC no frequency). This sequence change falls in intron 17 of the BUB1B gene. It does not directly change the encoded amino acid sequence of the BUB1B protein. It affects a nucleotide within the consensus splice site of the intron.

Literature cited by the submitters: PubMed 17576681; PubMed 9536098.

NM_001211.6(BUB1B):c.2285-3C>T

Gene: BUB1B (BUB1 mitotic checkpoint serine/threonine kinase B; plus strand). Cytogenetic location: 15q15.1.
Variant type: single nucleotide variant.
Coding change: c.2285-3C>T on transcript NM_001211.6 (MANE Select); 3 bases into the intron before coding-DNA position 2285, C replaced by T.
Molecular consequence: intron variant.
Genome position (GRCh38, 1-based): chr15:40,210,107, C>T. VCF-style: chr15-40210107-C-T. GRCh37 (hg19) VCF-style: chr15-40502308-C-T.
Identifiers: ClinVar variation 1345303 (VCV001345303.6), dbSNP rs2037692138, ClinGen allele CA2573150686.